The following is an entry in ClinVar:

ClinVar aggregate classification (germline): Uncertain significance. Review status: criteria provided, multiple submitters, no conflicts (2 of 4 stars). 2 submissions from 2 submitters: Uncertain significance (2). Last evaluated 2025-12-28.

Conditions:
PLXNA2-related disorder. Also called: PLXNA2-related condition.

gnomAD v4.1: 1 of 1,614,136 alleles (0.000062%); highest among the groups gnomAD compares: African/African-American, 0.0013%; no homozygotes.

Submissions (2):

PreventionGenetics, part of Exact Sciences
Classification: Uncertain significance for PLXNA2-related condition. Last evaluated: 2025-12-28. Review status: criteria provided, single submitter. Criteria: ACMG Guidelines, 2015. Collection method: clinical testing. Allele origin: germline.
Comment: The PLXNA2 c.2637T>A variant is predicted to result in the amino acid substitution p.His879Gln. To our knowledge, this variant has not been reported in the literature or in a large population database (gnomAD), indicating this variant is rare. At this time, the clinical significance of this variant is uncertain due to the absence of conclusive functional and genetic evidence.

Ambry Genetics
Classification: Uncertain significance. Last evaluated: 2025-10-21. Review status: criteria provided, single submitter. Criteria: Ambry Variant Classification Scheme 2023. Collection method: clinical testing. Allele origin: germline.

NM_025179.4(PLXNA2):c.2637T>A (p.His879Gln)

Gene: PLXNA2 (plexin A2; minus strand). Cytogenetic location: 1q32.2.
Variant type: single nucleotide variant.
Coding change: c.2637T>A on transcript NM_025179.4 (MANE Select); coding-DNA position 2637, T replaced by A.
Protein change: p.His879Gln; replaces histidine 879 with glutamine.
Molecular consequence: missense variant.
Genome position (GRCh38, 1-based): chr1:208,060,787, A>T on the plus strand (T>A on the coding strand, the complement: PLXNA2 is on the minus strand). VCF-style: chr1-208060787-A-T. GRCh37 (hg19) VCF-style: chr1-208234132-A-T.
Other names: short protein forms H879Q.
Identifiers: ClinVar variation 4569756 (VCV004569756.2).